The following is an entry in ClinVar:

NM_000235.4(LIPA):c.1023C>T (p.Ser341=)

Gene: LIPA (lipase A, lysosomal acid type; minus strand). Cytogenetic location: 10q23.31.
Variant type: single nucleotide variant.
Coding change: c.1023C>T on transcript NM_000235.4 (MANE Select); coding-DNA position 1023, C replaced by T.
Protein change: p.Ser341=; no amino-acid change (serine 341 retained).
Molecular consequence: synonymous variant.
Genome position (GRCh38, 1-based): chr10:89,215,005, G>A on the plus strand (C>T on the coding strand, the complement: LIPA is on the minus strand). VCF-style: chr10-89215005-G-A. GRCh37 (hg19) VCF-style: chr10-90974762-G-A.
Other names: p.Ser341=; c.1023C>T (NM_000235.2); c.1023C>T, p.Ser341= (NM_001127605.3); c.675C>T, p.Ser225= (NM_001288979.2).
Identifiers: ClinVar variation 748207 (VCV000748207.17), dbSNP rs747984396, ClinGen allele CA5593530.

ClinVar aggregate classification (germline): Likely benign. Review status: criteria provided, multiple submitters, no conflicts (2 of 4 stars). 5 submissions from 5 submitters: Likely benign (3). 2 of the submissions do not count toward it. Last evaluated 2025-04-21.

Conditions:
LIPA-related disorder. Also called: LIPA-related disorders; LIPA-related condition.
Wolman disease (WOLD). Also called: Acid cholesteryl ester hydrolase deficiency, Wolman type; Acid lipase disease; Wolman disease with hypolipoproteinemia and acanthocytosis; Infantile-Onset LAL-D (Wolman Disease); LYSOSOMAL ACID LIPASE DEFICIENCY, ACUTE INFANTILE; LYSOSOMAL ACID LIPASE DEFICIENCY, COMPLETE. Identifiers: Orphanet 75233, MedGen C0043208, MONDO:0019148, OMIM 620151.
Lysosomal acid lipase deficiency. Also called: Acid cholesteryl ester hydrolase deficiency, type 2. Identifiers: Orphanet 275761, MedGen C5574740, MONDO:0800449, MONDO:0010204.
Cardiovascular phenotype. Identifiers: MedGen CN230736.

Allele frequency attached by ClinVar (database versions not stated): ExAC 0.00001; gnomAD exomes 0.00002; TOPMed 0.00006; gnomAD 0.00007.
gnomAD v4.1: 37 of 1,613,968 alleles (0.0023%); highest among the groups gnomAD compares: African/African-American, 0.019%; no homozygotes.

Submissions (5):

Mayo Clinic Laboratories, Mayo Clinic
Classification: Likely benign. Last evaluated: 2025-04-21. Review status: criteria provided, single submitter. Criteria: ACMG Guidelines, 2015. Collection method: clinical testing. Allele origin: germline. Observed: 1 variant allele.
Comment: BP4, BP7, PM2_supporting

Labcorp Genetics (formerly Invitae), Labcorp
Classification: Likely benign for Wolman disease. Last evaluated: 2024-10-10. Review status: criteria provided, single submitter. Criteria: Invitae Variant Classification Sherloc (09022015). Collection method: clinical testing. Allele origin: germline.

Ambry Genetics
Classification: Likely benign for Cardiovascular phenotype. Last evaluated: 2022-09-10. Review status: criteria provided, single submitter. Criteria: Ambry Variant Classification Scheme 2023. Collection method: clinical testing. Allele origin: germline.

PreventionGenetics, part of Exact Sciences
Classification: Likely benign for LIPA-related condition. Last evaluated: 2021-04-22. Review status: no assertion criteria provided. Collection method: clinical testing. Allele origin: germline. Not counted in ClinVar's aggregate classification.
Comment: This variant is classified as likely benign based on ACMG/AMP sequence variant interpretation guidelines (Richards et al. 2015 PMID: 25741868, with internal and published modifications).

Natera, Inc.
Classification: Likely benign for Lysosomal acid lipase deficiency. Last evaluated: 2020-09-16. Review status: no assertion criteria provided. Collection method: clinical testing. Allele origin: germline. Not counted in ClinVar's aggregate classification.